The following is an entry in ClinVar:

ClinVar aggregate classification (germline): Pathogenic/Likely pathogenic. Review status: criteria provided, multiple submitters, no conflicts (2 of 4 stars). 3 submissions from 3 submitters: Pathogenic (1); Likely pathogenic (2). Last evaluated 2025-03-11.

Conditions:
TRIOBP-related disorder. Also called: TRIOBP-related condition.
Autosomal recessive nonsyndromic hearing loss 28. Identifiers: Orphanet 90636, MedGen C1853276, MONDO:0012355, OMIM 609823.

Submissions (3):

PreventionGenetics, part of Exact Sciences
Classification: Likely pathogenic for TRIOBP-related condition. Last evaluated: 2025-03-11. Review status: criteria provided, single submitter. Criteria: ACMG Guidelines, 2015. Collection method: clinical testing. Allele origin: germline.
Comment: The TRIOBP c.4320_4321delTA variant is predicted to result in a frameshift and premature protein termination (p.His1440Glnfs*61). To our knowledge, this variant has not been reported in the literature. This variant is reported in 0.0043% of alleles in individuals of European (Non-Finnish) descent in gnomAD. Frameshift variants in TRIOBP are expected to be pathogenic. This variant is interpreted as likely pathogenic.

Department of Pathology and Laboratory Medicine, Sinai Health System
Classification: Likely pathogenic for Autosomal recessive nonsyndromic hearing loss 28. Last evaluated: 2023-09-07. Review status: criteria provided, single submitter. Criteria: ACMG Guidelines, 2015. Collection method: research. Allele origin: germline.

Labcorp Genetics (formerly Invitae), Labcorp
Classification: Pathogenic. Last evaluated: 2021-03-28. Review status: criteria provided, single submitter. Criteria: Invitae Variant Classification Sherloc (09022015). Collection method: clinical testing. Allele origin: germline.
Comment: This sequence change creates a premature translational stop signal (p.His1440Glnfs*61) in the TRIOBP gene. It is expected to result in an absent or disrupted protein product. Loss-of-function variants in TRIOBP are known to be pathogenic (PMID: 16385457, 16385458, 20510926). This variant is present in population databases (rs757457793, ExAC 0.004%). This variant has not been reported in the literature in individuals with TRIOBP-related conditions. For these reasons, this variant has been classified as Pathogenic.

Literature cited by the submitters: PubMed 16385457 (cited by Labcorp Genetics (formerly Invitae), Labcorp); PubMed 16385458 (cited by Labcorp Genetics (formerly Invitae), Labcorp); PubMed 20510926 (cited by Labcorp Genetics (formerly Invitae), Labcorp).

NM_001039141.3(TRIOBP):c.4320_4321del (p.His1440fs)

Gene: TRIOBP (TRIO and F-actin binding protein; plus strand). Cytogenetic location: 22q13.1.
Variant type: Deletion.
Coding change: c.4320_4321del on transcript NM_001039141.3 (MANE Select); coding-DNA positions 4320 to 4321, 2 bases deleted (TA; older notation c.4320_4321delTA).
Protein change: p.His1440fs; shifts the reading frame from histidine 1440.
Molecular consequence: frameshift variant.
Genome position (GRCh38, 1-based): chr22:37,734,656-37,734,657, TA deleted; deleting any 2 consecutive bases within chr22:37,734,655-37,734,657 gives the same sequence; the c. name uses the placement nearest the transcript's 3' end. VCF-style (leftmost placement, unchanged base first): chr22-37734654-CAT-C. GRCh37 (hg19) VCF-style: chr22-38130661-CAT-C.
Other names: c.4320_4321delTA (NM_001039141.2); short protein forms H1440fs.
Identifiers: ClinVar variation 1897803 (VCV001897803.4), dbSNP rs757457793, ClinGen allele CA10224355.